The following is an entry in ClinVar:

NM_014585.6(SLC40A1):c.957G>A (p.Met319Ile)

Gene: SLC40A1 (solute carrier family 40 member 1; minus strand). Cytogenetic location: 2q32.2.
Variant type: single nucleotide variant.
Coding change: c.957G>A on transcript NM_014585.6 (MANE Select); coding-DNA position 957, G replaced by A.
Protein change: p.Met319Ile; replaces methionine 319 with isoleucine.
Molecular consequence: missense variant.
Genome position (GRCh38, 1-based): chr2:189,564,029, C>T on the plus strand (G>A on the coding strand, the complement: SLC40A1 is on the minus strand). VCF-style: chr2-189564029-C-T. GRCh37 (hg19) VCF-style: chr2-190428755-C-T.
Other names: short protein forms M319I.
Identifiers: ClinVar variation 1958569 (VCV001958569.5), dbSNP rs2468767214, ClinGen allele CA349988040.

ClinVar aggregate classification (germline): Uncertain significance (1 of 4 stars; one submission).

Conditions:
Hemochromatosis type 4 (HFE4). Also called: HEMOCHROMATOSIS DUE TO DEFECT IN FERROPORTIN; HEMOCHROMATOSIS, AUTOSOMAL DOMINANT; Ferroportin disease. Identifiers: Orphanet 139491, Orphanet 647834, Orphanet 648562, MedGen C1853733, MONDO:0011631, OMIM 606069.

Submission:

Labcorp Genetics (formerly Invitae), Labcorp
Classification: Uncertain significance for Hemochromatosis type 4. Last evaluated: 2023-04-29. Review status: criteria provided, single submitter. Criteria: Invitae Variant Classification Sherloc (09022015). Collection method: clinical testing. Allele origin: germline.
Comment: This missense change has been observed in individual(s) with hemochromatosis and/or hyperferritinemia (Invitae). It has also been observed to segregate with disease in related individuals. ClinVar contains an entry for this variant (Variation ID: 1958569). This variant is not present in population databases (gnomAD no frequency). This sequence change replaces methionine, which is neutral and non-polar, with isoleucine, which is neutral and non-polar, at codon 319 of the SLC40A1 protein (p.Met319Ile). In summary, the available evidence is currently insufficient to determine the role of this variant in disease. Therefore, it has been classified as a Variant of Uncertain Significance. Advanced modeling of protein sequence and biophysical properties (such as structural, functional, and spatial information, amino acid conservation, physicochemical variation, residue mobility, and thermodynamic stability) has been performed at Invitae for this missense variant, however the output from this modeling did not meet the statistical confidence thresholds required to predict the impact of this variant on SLC40A1 protein function.